The following is an entry in ClinVar:

ClinVar aggregate classification (germline): Uncertain significance (1 of 4 stars; one submission).

Conditions:
Primary ciliary dyskinesia. Also called: Ciliary dyskinesia. Identifiers: Orphanet 244, MedGen C0008780, MONDO:0016575, HP:0012265.

Submission:

Department of Human Genetics, Hannover Medical School
Classification: Uncertain significance for Primary Ciliary Dyskinesia. Last evaluated: 2026-04-01. Review status: criteria provided, single submitter. Criteria: ACMG Guidelines, 2015. Collection method: research. Allele origin: germline. Affected: no.
Comment: Classification performed by HerediClassify using the following criteria:['PM2_supporting: Variant occures does not occur as homozygous in gnomAD.', 'PVS1_protein_strong: Transcript ENST00000216274 is not predicted to undergo NMD. Protein length change of 0.9633204633204633 observed.']

NM_006871.4(RIPK3):c.58G>T (p.Glu20Ter)

Gene: RIPK3 (receptor interacting serine/threonine kinase 3; minus strand). Cytogenetic location: 14q12.
Variant type: single nucleotide variant.
Coding change: c.58G>T on transcript NM_006871.4 (MANE Select); coding-DNA position 58, G replaced by T.
Protein change: p.Glu20Ter; replaces glutamic acid 20 with a stop codon.
Molecular consequence: nonsense.
Genome position (GRCh38, 1-based): chr14:24,339,560, C>A on the plus strand (G>T on the coding strand, the complement: RIPK3 is on the minus strand). VCF-style: chr14-24339560-C-A. GRCh37 (hg19) VCF-style: chr14-24808766-C-A.
Other names: short protein forms E20*.
Identifiers: ClinVar variation 4880066 (VCV004880066.1).
Genomic context (GRCh38, chr14:24,339,560, plus strand): 5'-GTTGCGCCCGGAACACTGTGCCGAACCCGCCTTTGCCGACGAGCTCCTGGTTCTCCAGTT[C>A]CTCGATGGACACCAAGGGGGCGGGGGCACCGCTGGGCCTGAGAGAGGGGTGTCGCCCACT-3'